The following is an entry in ClinVar:

ClinVar aggregate classification (germline): Uncertain significance (1 of 4 stars; one submission).

gnomAD v4.1: 8 of 1,609,712 alleles (0.0005%); highest among the groups gnomAD compares: Non-Finnish European, 0.00051%; no homozygotes.

Submission:

Labcorp Genetics (formerly Invitae), Labcorp
Classification: Uncertain significance. Last evaluated: 2024-09-30. Review status: criteria provided, single submitter. Criteria: Invitae Variant Classification Sherloc (09022015). Collection method: clinical testing. Allele origin: germline.
Comment: This sequence change replaces tyrosine, which is neutral and polar, with cysteine, which is neutral and slightly polar, at codon 4 of the ACO2 protein (p.Tyr4Cys). This variant is present in population databases (no rsID available, gnomAD 0.0009%). This variant has not been reported in the literature in individuals affected with ACO2-related conditions. Invitae Evidence Modeling of protein sequence and biophysical properties (such as structural, functional, and spatial information, amino acid conservation, physicochemical variation, residue mobility, and thermodynamic stability) indicates that this missense variant is expected to disrupt ACO2 protein function with a positive predictive value of 95%. In summary, the available evidence is currently insufficient to determine the role of this variant in disease. Therefore, it has been classified as a Variant of Uncertain Significance.

NM_001098.3(ACO2):c.11A>G (p.Tyr4Cys)

Gene: ACO2 (aconitase 2; plus strand). Cytogenetic location: 22q13.2.
Variant type: single nucleotide variant.
Coding change: c.11A>G on transcript NM_001098.3 (MANE Select); coding-DNA position 11, A replaced by G.
Protein change: p.Tyr4Cys; replaces tyrosine 4 with cysteine.
Molecular consequence: missense variant.
Genome position (GRCh38, 1-based): chr22:41,469,157, A>G. VCF-style: chr22-41469157-A-G. GRCh37 (hg19) VCF-style: chr22-41865161-A-G.
Other names: short protein forms Y4C.
Identifiers: ClinVar variation 3695504 (VCV003695504.2).